The following is an entry in ClinVar:

NM_001128840.3(CACNA1D):c.5917T>G (p.Ser1973Ala)

Gene: CACNA1D (calcium voltage-gated channel subunit alpha1 D; plus strand). Cytogenetic location: 3p21.1.
Variant type: single nucleotide variant.
Coding change: c.5917T>G on transcript NM_001128840.3 (MANE Select); coding-DNA position 5917, T replaced by G.
Protein change: p.Ser1973Ala; replaces serine 1973 with alanine.
Molecular consequence: missense variant.
Genome position (GRCh38, 1-based): chr3:53,810,023, T>G. VCF-style: chr3-53810023-T-G. GRCh37 (hg19) VCF-style: chr3-53844050-T-G.
Other names: c.5977T>G, p.Ser1993Ala (NM_000720.4); c.5845T>G, p.Ser1949Ala (NM_001128839.3); short protein forms S1949A, S1973A, S1993A.
Identifiers: ClinVar variation 1946635 (VCV001946635.5), dbSNP rs774351332, ClinGen allele CA2455319.

ClinVar aggregate classification (germline): Uncertain significance (1 of 4 stars; one submission).

Allele frequency attached by ClinVar (database versions not stated): ExAC 0.00001.

Submission:

Labcorp Genetics (formerly Invitae), Labcorp
Classification: Uncertain significance. Last evaluated: 2022-02-01. Review status: criteria provided, single submitter. Criteria: Invitae Variant Classification Sherloc (09022015). Collection method: clinical testing. Allele origin: germline.
Comment: In summary, the available evidence is currently insufficient to determine the role of this variant in disease. Therefore, it has been classified as a Variant of Uncertain Significance. Algorithms developed to predict the effect of missense changes on protein structure and function are either unavailable or do not agree on the potential impact of this missense change (SIFT: "Tolerated"; PolyPhen-2: "Probably Damaging"; Align-GVGD: "Class C0"). This variant has not been reported in the literature in individuals affected with CACNA1D-related conditions. This variant is not present in population databases (gnomAD no frequency). This sequence change replaces serine, which is neutral and polar, with alanine, which is neutral and non-polar, at codon 1993 of the CACNA1D protein (p.Ser1993Ala).